The following is an entry in ClinVar:

ClinVar aggregate classification (germline): Uncertain significance (1 of 4 stars; one submission).

Conditions:
Fanconi anemia (FA). Also called: Fanconi's anemia. Identifiers: Orphanet 84, MedGen C0015625, MeSH D005199, MONDO:0019391.

Submission:

Labcorp Genetics (formerly Invitae), Labcorp
Classification: Uncertain significance for Fanconi anemia. Last evaluated: 2024-06-11. Review status: criteria provided, single submitter. Criteria: Invitae Variant Classification Sherloc (09022015). Collection method: clinical testing. Allele origin: germline.
Comment: This sequence change replaces phenylalanine, which is neutral and non-polar, with valine, which is neutral and non-polar, at codon 1306 of the FANCA protein (p.Phe1306Val). This variant is not present in population databases (gnomAD no frequency). This variant has not been reported in the literature in individuals affected with FANCA-related conditions. Advanced modeling of protein sequence and biophysical properties (such as structural, functional, and spatial information, amino acid conservation, physicochemical variation, residue mobility, and thermodynamic stability) performed at Invitae indicates that this missense variant is expected to disrupt FANCA protein function with a positive predictive value of 80%. In summary, the available evidence is currently insufficient to determine the role of this variant in disease. Therefore, it has been classified as a Variant of Uncertain Significance.

NM_000135.4(FANCA):c.3916T>G (p.Phe1306Val)

Genes: FANCA (FA complementation group A; minus strand), ZNF276 (zinc finger protein 276; plus strand). Cytogenetic location: 16q24.3.
Variant type: single nucleotide variant.
Coding change: c.3916T>G on transcript NM_000135.4 (MANE Select); coding-DNA position 3916, T replaced by G.
Protein change: p.Phe1306Val; replaces phenylalanine 1306 with valine.
Molecular consequence: missense variant. On other transcripts: 3 prime UTR variant (2), non-coding transcript variant (4).
Genome position (GRCh38, 1-based): chr16:89,740,012, A>C on the plus strand (T>G on the coding strand, the complement: FANCA is on the minus strand). VCF-style: chr16-89740012-A-C. GRCh37 (hg19) VCF-style: chr16-89806420-A-C.
Other names: c.3916T>G, p.Phe1306Val (NM_001286167.3); c.*1766A>C (NM_001113525.2, NM_152287.4); short protein forms F1306V.
Identifiers: ClinVar variation 3708826 (VCV003708826.2).